The following is an entry in ClinVar:

ClinVar aggregate classification (germline): Uncertain significance (1 of 4 stars; one submission).

Conditions:
Familial thoracic aortic aneurysm and aortic dissection (TAAD). Also called: Thoracic aortic aneurysms and dissections. Identifiers: Orphanet 91387, MedGen C4707243, MONDO:0019625.

Submission:

Color Diagnostics, LLC DBA Color Health
Classification: Uncertain significance for Familial thoracic aortic aneurysm and aortic dissection. Last evaluated: 2024-03-06. Review status: criteria provided, single submitter. Criteria: ACMG Guidelines, 2015. Collection method: clinical testing. Allele origin: germline.
Comment: This missense variant replaces lysine with asparagine at codon 1802 of the FBN1 protein. Computational prediction is inconclusive regarding the impact of this variant on protein structure and function (internally defined REVEL score threshold 0.5 < inconclusive < 0.7, PMID: 27666373). Splice site prediction tools suggest that this variant may not impact RNA splicing. To our knowledge, functional studies have not been performed for this variant. This variant has not been reported in individuals affected with cardiovascular disorders in the literature. This variant has not been identified in the general population by the Genome Aggregation Database (gnomAD). The available evidence is insufficient to determine the role of this variant in disease conclusively. Therefore, this variant is classified as a Variant of Uncertain Significance.

NM_000138.5(FBN1):c.5406G>T (p.Lys1802Asn)

Gene: FBN1 (fibrillin 1; minus strand). Cytogenetic location: 15q21.1.
Variant type: single nucleotide variant.
Coding change: c.5406G>T on transcript NM_000138.5 (MANE Select); coding-DNA position 5406, G replaced by T.
Protein change: p.Lys1802Asn; replaces lysine 1802 with asparagine.
Molecular consequence: missense variant.
Genome position (GRCh38, 1-based): chr15:48,456,653, C>A on the plus strand (G>T on the coding strand, the complement: FBN1 is on the minus strand). VCF-style: chr15-48456653-C-A. GRCh37 (hg19) VCF-style: chr15-48748850-C-A.
Other names: short protein forms K1802N.
Identifiers: ClinVar variation 926777 (VCV000926777.4), dbSNP rs2043240104, ClinGen allele CA392345847.
Genomic context (GRCh38, chr15:48,456,653, plus strand): 5'-AGTTAGCTCTTTTCTGGATATGATAAAGTCATGATGCCACTTACCTTCACAAACCAACAA[C>A]TTGTCATTATAGAAGAATCCCACTGGACATTCACATCGGAAGCTGCCAACCATGTTGATA-3'
Protein context (NP_000129.3, residues 1792-1812): ECPVGFFYND[Lys1802Asn]LLVCEDIDEC